The following is an entry in ClinVar:

NM_033028.5(BBS4):c.1450+1G>A

Gene: BBS4 (Bardet-Biedl syndrome 4; plus strand). Cytogenetic location: 15q24.1.
Variant type: single nucleotide variant.
Coding change: c.1450+1G>A on transcript NM_033028.5 (MANE Select); the canonical splice donor site of the intron after coding-DNA position 1450, G replaced by A.
Molecular consequence: splice donor variant.
Genome position (GRCh38, 1-based): chr15:72,736,964, G>A. VCF-style: chr15-72736964-G-A. GRCh37 (hg19) VCF-style: chr15-73029305-G-A.
Other names: c.1381+1G>A (NM_001320665.2); c.934+1G>A (NM_001252678.2).
Identifiers: ClinVar variation 3344022 (VCV003344022.1).

ClinVar aggregate classification (germline): Likely pathogenic (0 of 4 stars; one submission).

Conditions:
BBS4-related disorder. Also called: BBS4-related condition.

gnomAD v4.1: 7 of 1,614,008 alleles (0.00043%); highest among the groups gnomAD compares: Non-Finnish European, 0.00059%; no homozygotes.

Submission:

PreventionGenetics, part of Exact Sciences
Classification: Likely pathogenic for BBS4-related condition. Last evaluated: 2024-03-29. Review status: no assertion criteria provided. Collection method: clinical testing. Allele origin: germline.
Comment: The BBS4 c.1450+1G>A variant is predicted to disrupt the GT donor site and interfere with normal splicing. To our knowledge, this variant has not been reported in the literature or in a large population database, indicating this variant is rare. Variants that disrupt the consensus splice donor site in BBS4 are expected to be pathogenic. This variant is interpreted as likely pathogenic.